The following is an entry in ClinVar:

ClinVar aggregate classification (germline): Likely benign. Review status: criteria provided, multiple submitters, no conflicts (2 of 4 stars). 4 submissions from 4 submitters: Likely benign (4). Last evaluated 2025-03-04.

Conditions:
Inborn genetic diseases. Identifiers: MedGen C0950123, MeSH D030342.
Dyskeratosis congenita, autosomal dominant 6 (DKCA6). Identifiers: Orphanet 3322, MedGen C4225284, MONDO:0014690, OMIM 616553.

Allele frequency attached by ClinVar (database versions not stated): gnomAD exomes 0.00001 and 0.00002; ExAC 0.00002.

Submissions (4):

Center for Genomic Medicine, Rigshospitalet, Copenhagen University Hospital
Classification: Likely benign. Last evaluated: 2025-03-04. Review status: criteria provided, single submitter. Criteria: ACMG Guidelines, 2015. Collection method: clinical testing. Allele origin: germline.

CeGaT Center for Human Genetics Tuebingen
Classification: Likely benign. Last evaluated: 2024-01-01. Review status: criteria provided, single submitter. Criteria: CeGaT Center For Human Genetics Tuebingen Variant Classification Criteria Version 2. Collection method: clinical testing. Allele origin: germline. Affected: yes. Observed: 1 variant allele.
Comment: ACD: BP4, BP7

Labcorp Genetics (formerly Invitae), Labcorp
Classification: Likely benign for Dyskeratosis congenita, autosomal dominant 6. Last evaluated: 2023-11-03. Review status: criteria provided, single submitter. Criteria: Invitae Variant Classification Sherloc (09022015). Collection method: clinical testing. Allele origin: germline.

Ambry Genetics
Classification: Likely benign for Inborn genetic diseases. Last evaluated: 2022-02-20. Review status: criteria provided, single submitter. Criteria: Ambry Variant Classification Scheme 2023. Collection method: clinical testing. Allele origin: germline.

NM_001082486.2(ACD):c.609T>C (p.Pro203=)

Gene: ACD (ACD shelterin complex subunit and telomerase recruitment factor; minus strand). Cytogenetic location: 16q22.1.
Variant type: single nucleotide variant.
Coding change: c.609T>C on transcript NM_001082486.2 (MANE Select); coding-DNA position 609, T replaced by C.
Protein change: p.Pro203=; no amino-acid change (proline 203 retained).
Molecular consequence: synonymous variant.
Genome position (GRCh38, 1-based): chr16:67,658,964, A>G on the plus strand (T>C on the coding strand, the complement: ACD is on the minus strand). VCF-style: chr16-67658964-A-G. GRCh37 (hg19) VCF-style: chr16-67692867-A-G.
Other names: c.600T>C, p.Pro200= (NM_022914.3).
Identifiers: ClinVar variation 1606010 (VCV001606010.33), dbSNP rs752926001, ClinGen allele CA8114611.